The following is an entry in ClinVar:

ClinVar aggregate classification (germline): Pathogenic (1 of 4 stars; one submission).

Submission:

Labcorp Genetics (formerly Invitae), Labcorp
Classification: Pathogenic. Last evaluated: 2023-06-27. Review status: criteria provided, single submitter. Criteria: Invitae Variant Classification Sherloc (09022015). Collection method: clinical testing. Allele origin: germline.
Comment: For these reasons, this variant has been classified as Pathogenic. This variant has not been reported in the literature in individuals affected with DENND5A-related conditions. This variant is not present in population databases (gnomAD no frequency). This sequence change creates a premature translational stop signal (p.Leu281Hisfs*41) in the DENND5A gene. It is expected to result in an absent or disrupted protein product. Loss-of-function variants in DENND5A are known to be pathogenic (PMID: 27431290, 27866705).

Literature cited by the submitters: PubMed 27431290; PubMed 27866705.

NM_015213.4(DENND5A):c.842del (p.Leu281fs)

Gene: DENND5A (DENN domain containing 5A; minus strand). Cytogenetic location: 11p15.4.
Variant type: Deletion.
Coding change: c.842del on transcript NM_015213.4 (MANE Select); coding-DNA position 842, one base deleted (T; older notation c.842delT).
Protein change: p.Leu281fs; shifts the reading frame from leucine 281.
Molecular consequence: frameshift variant. On other transcripts: non-coding transcript variant (1).
Genome position (GRCh38, 1-based): chr11:9,203,767, A deleted on the plus strand (T on the coding strand, the reverse complement: DENND5A is on the minus strand). VCF-style (leftmost placement, unchanged base first): chr11-9203766-TA-T. GRCh37 (hg19) VCF-style: chr11-9225313-TA-T.
Other names: c.842del, p.Leu281fs (NM_001243254.2); c.842delT, p.Leu281Hisfs (NM_001348748.1); c.770del, p.Leu257fs (NM_001348749.2); c.554del, p.Leu185fs (NM_001348750.2); short protein forms L281fs, L185fs, L257fs.
Identifiers: ClinVar variation 2729718 (VCV002729718.3), dbSNP rs2493906863, ClinGen allele CA2697548416.